The following is an entry in ClinVar:

ClinVar aggregate classification (germline): Uncertain significance. Review status: criteria provided, multiple submitters, no conflicts (2 of 4 stars). 2 submissions from 2 submitters: Uncertain significance (2). Last evaluated 2026-08-06.

Conditions:
Autosomal dominant nonsyndromic hearing loss 1. Also called: KONIGSMARK SYNDROME; DEAFNESS, AUTOSOMAL DOMINANT 1, WITH OR WITHOUT THROMBOCYTOPENIA. Identifiers: Orphanet 90635, MedGen C1852282, MONDO:0007424, OMIM 124900.
Progressive microcephaly-seizures-cortical blindness-developmental delay syndrome. Also called: Seizures, cortical blindness, and microcephaly syndrome. Identifiers: Orphanet 477814, MedGen C5567650, MONDO:0014714, OMIM 616632.

gnomAD v4.1: 1 of 1,614,118 alleles (0.000062%); highest among the groups gnomAD compares: Non-Finnish European, 0.000085%; no homozygotes.

Submissions (2):

OLLIN Analises Genomicas, OLLIN
Classification: Uncertain significance for Progressive microcephaly-seizures-cortical blindness-developmental delay syndrome. Last evaluated: 2026-08-06. Review status: criteria provided, single submitter. Criteria: ACMG Guidelines 2015 PMID 25741868. Collection method: clinical testing. Allele origin: germline.
Comment: This missense variant, located in exon 15 (of 28), has been reported in ClinVar (accession VCV001389962.6) and in gnomAD with an allele frequency of 0.000062%. However, to our knowledge, it has not been reported in the scientific literature. In silico analysis is inconclusive regarding the impact of this variant. According to the currently available evidence, this variant has been classified as uncertain significance (PM2_P).

Labcorp Genetics (formerly Invitae), Labcorp
Classification: Uncertain significance for Progressive microcephaly-seizures-cortical blindness-developmental delay syndrome; Autosomal dominant nonsyndromic hearing loss 1. Last evaluated: 2022-03-26. Review status: criteria provided, single submitter. Criteria: Invitae Variant Classification Sherloc (09022015). Collection method: clinical testing. Allele origin: germline.
Comment: This variant has not been reported in the literature in individuals affected with DIAPH1-related conditions. In summary, the available evidence is currently insufficient to determine the role of this variant in disease. Therefore, it has been classified as a Variant of Uncertain Significance. Algorithms developed to predict the effect of missense changes on protein structure and function are either unavailable or do not agree on the potential impact of this missense change (SIFT: "Tolerated"; PolyPhen-2: "Not Available"; Align-GVGD: "Class C0"). This variant is not present in population databases (gnomAD no frequency). This sequence change replaces serine, which is neutral and polar, with proline, which is neutral and non-polar, at codon 490 of the DIAPH1 protein (p.Ser490Pro).

NM_005219.5(DIAPH1):c.1468T>C (p.Ser490Pro)

Gene: DIAPH1 (diaphanous related formin 1; minus strand). Cytogenetic location: 5q31.3.
Variant type: single nucleotide variant.
Coding change: c.1468T>C on transcript NM_005219.5 (MANE Select); coding-DNA position 1468, T replaced by C.
Protein change: p.Ser490Pro; replaces serine 490 with proline.
Molecular consequence: missense variant.
Genome position (GRCh38, 1-based): chr5:141,575,140, A>G on the plus strand (T>C on the coding strand, the complement: DIAPH1 is on the minus strand). VCF-style: chr5-141575140-A-G. GRCh37 (hg19) VCF-style: chr5-140954707-A-G.
Other names: c.1441T>C, p.Ser481Pro (NM_001079812.3); c.1468T>C, p.Ser490Pro (NM_001314007.2); short protein forms S481P, S490P.
Identifiers: ClinVar variation 1389962 (VCV001389962.7), dbSNP rs2154596348, ClinGen allele CA361524597.